The following is an entry in ClinVar:

ClinVar aggregate classification (germline): Uncertain significance (1 of 4 stars; one submission).

Submission:

Women's Health and Genetics/Laboratory Corporation of America, LabCorp
Classification: Uncertain significance. Last evaluated: 2026-03-02. Review status: criteria provided, single submitter. Criteria: LabCorp Variant Classification Summary - May 2015. Collection method: clinical testing. Allele origin: germline.
Comment: Variant summary: HNF4A c.788A>G (p.Glu263Gly) results in a non-conservative amino acid change in the encoded protein sequence. Algorithms developed to predict the effect of missense changes on protein structure and function all suggest that this variant is likely to be disruptive. The variant was absent in 251490 control chromosomes (gnomAD). The available data on variant occurrences in the general population are insufficient to allow any conclusion about variant significance. To our knowledge, no occurrence of c.788A>G in individuals affected with HNF4A-related conditions and no experimental evidence demonstrating its impact on protein function have been reported. No submitters have cited clinical-significance assessments for this variant to ClinVar. Based on the evidence outlined above, the variant was classified as uncertain significance.

NM_175914.5(HNF4A):c.788A>G (p.Glu263Gly)

Gene: HNF4A (hepatocyte nuclear factor 4 alpha; plus strand). Cytogenetic location: 20q13.12.
Variant type: single nucleotide variant.
Coding change: c.788A>G on transcript NM_175914.5 (MANE Select); coding-DNA position 788, A replaced by G.
Protein change: p.Glu263Gly; replaces glutamic acid 263 with glycine.
Molecular consequence: missense variant.
Genome position (GRCh38, 1-based): chr20:44,419,838, A>G. VCF-style: chr20-44419838-A-G. GRCh37 (hg19) VCF-style: chr20-43048478-A-G.
Other names: c.854A>G, p.Glu285Gly (NM_178849.3, NM_178850.3, NM_000457.6); c.788A>G, p.Glu263Gly (NM_001030003.3, NM_001030004.3); c.833A>G, p.Glu278Gly (NM_001258355.2); c.779A>G, p.Glu260Gly (NM_001287182.2, NM_001287183.2, NM_001287184.2); short protein forms E260G, E263G, E278G, E285G.
Identifiers: ClinVar variation 4847543 (VCV004847543.1).